The following is an entry in ClinVar:

ClinVar aggregate classification (germline): Uncertain significance (1 of 4 stars; one submission).

Allele frequency attached by ClinVar (database versions not stated): gnomAD exomes 0.00001; ExAC 0.00002; gnomAD 0.00004; TOPMed 0.00004; ESP Exome Variant Server 0.00008.
gnomAD v4.1: 21 of 1,611,678 alleles (0.0013%); highest among the groups gnomAD compares: African/African-American, 0.0053%; no homozygotes.

Submission:

Labcorp Genetics (formerly Invitae), Labcorp
Classification: Uncertain significance. Last evaluated: 2022-06-14. Review status: criteria provided, single submitter. Criteria: Invitae Variant Classification Sherloc (09022015). Collection method: clinical testing. Allele origin: germline.
Comment: This sequence change replaces glutamic acid, which is acidic and polar, with lysine, which is basic and polar, at codon 373 of the MYO18B protein (p.Glu373Lys). This variant is present in population databases (rs375834242, gnomAD 0.009%). This variant has not been reported in the literature in individuals affected with MYO18B-related conditions. Algorithms developed to predict the effect of missense changes on protein structure and function are either unavailable or do not agree on the potential impact of this missense change (SIFT: "Not Available"; PolyPhen-2: "Benign"; Align-GVGD: "Not Available"). In summary, the available evidence is currently insufficient to determine the role of this variant in disease. Therefore, it has been classified as a Variant of Uncertain Significance.

NM_032608.7(MYO18B):c.1117G>A (p.Glu373Lys)

Gene: MYO18B (myosin XVIIIB; plus strand). Cytogenetic location: 22q12.1.
Variant type: single nucleotide variant.
Coding change: c.1117G>A on transcript NM_032608.7 (MANE Select); coding-DNA position 1117, G replaced by A.
Protein change: p.Glu373Lys; replaces glutamic acid 373 with lysine.
Molecular consequence: missense variant.
Genome position (GRCh38, 1-based): chr22:25,769,033, G>A. VCF-style: chr22-25769033-G-A. GRCh37 (hg19) VCF-style: chr22-26165000-G-A.
Other names: c.1117G>A, p.Glu373Lys (NM_001318245.2); short protein forms E373K.
Identifiers: ClinVar variation 1925249 (VCV001925249.2), dbSNP rs375834242, ClinGen allele CA10159758.